The following is an entry in ClinVar:

ClinVar aggregate classification (germline): Uncertain significance (1 of 4 stars; one submission).

Conditions:
3-Methylglutaconic aciduria type 2 (BTHS). Also called: CARDIOSKELETAL MYOPATHY WITH NEUTROPENIA AND ABNORMAL MITOCHONDRIA; Barth syndrome. Identifiers: Orphanet 111, MedGen C0574083, MONDO:0010543, OMIM 302060.

Allele frequency attached by ClinVar (database versions not stated): gnomAD 0.00001; gnomAD exomes 0.00001; TOPMed 0.00001.
gnomAD v4.1: 12 of 1,198,459 alleles (0.001%); highest among the groups gnomAD compares: Non-Finnish European, 0.0013%; no homozygotes.

Submission:

Labcorp Genetics (formerly Invitae), Labcorp
Classification: Uncertain significance for 3-Methylglutaconic aciduria type 2. Last evaluated: 2022-10-06. Review status: criteria provided, single submitter. Criteria: Invitae Variant Classification Sherloc (09022015). Collection method: clinical testing. Allele origin: germline.
Comment: This sequence change replaces glutamine, which is neutral and polar, with histidine, which is basic and polar, at codon 70 of the TAZ protein (p.Gln70His). This variant is not present in population databases (gnomAD no frequency). This variant has not been reported in the literature in individuals affected with TAZ-related conditions. ClinVar contains an entry for this variant (Variation ID: 1008878). Algorithms developed to predict the effect of missense changes on protein structure and function are either unavailable or do not agree on the potential impact of this missense change (SIFT: "Not Available"; PolyPhen-2: "Benign"; Align-GVGD: "Not Available"). In summary, the available evidence is currently insufficient to determine the role of this variant in disease. Therefore, it has been classified as a Variant of Uncertain Significance.

NM_000116.5(TAFAZZIN):c.210G>C (p.Gln70His)

Gene: TAFAZZIN (tafazzin, phospholipid-lysophospholipid transacylase; plus strand). Cytogenetic location: Xq28.
Variant type: single nucleotide variant.
Coding change: c.210G>C on transcript NM_000116.5 (MANE Select); coding-DNA position 210, G replaced by C.
Protein change: p.Gln70His; replaces glutamine 70 with histidine.
Molecular consequence: missense variant. On other transcripts: non-coding transcript variant (1).
Genome position (GRCh38, 1-based): chrX:154,412,186, G>C. VCF-style: chrX-154412186-G-C. GRCh37 (hg19) VCF-style: chrX-153640523-G-C.
Other names: c.264G>C, p.Gln88His (NM_001303465.2); c.210G>C, p.Gln70His (NM_181311.4, NM_181312.4, NM_181313.4); short protein forms Q70H, Q88H.
Identifiers: ClinVar variation 1008878 (VCV001008878.2), dbSNP rs977521848, ClinGen allele CA337285656.
Genomic context (GRCh38, chrX:154,412,186, plus strand): 5'-GTACGAGCTCATCGAGAAGCGAGGCCCGGCCACGCCCCTCATCACCGTGTCCAATCACCA[G>C]TCCTGCATGGACGACCCTCATCTCTGGGGTACCCGGGCCAGTGTGCTGGGCAGGGGGAGG-3'
Protein context (NP_000107.1, residues 60-80): ATPLITVSNH[Gln70His]SCMDDPHLWG